The following is an entry in ClinVar:

ClinVar aggregate classification (germline): Pathogenic/Likely pathogenic. Review status: criteria provided, multiple submitters, no conflicts (2 of 4 stars). 3 submissions from 3 submitters: Pathogenic (1); Likely pathogenic (2). Last evaluated 2023-07-27.

Conditions:
Retinitis pigmentosa 25 (RP25). Identifiers: Orphanet 791, MedGen C1864446, MONDO:0011272, OMIM 602772.

Submissions (3):

Baylor Genetics
Classification: Likely pathogenic for Retinitis pigmentosa 25. Last evaluated: 2023-07-27. Review status: criteria provided, single submitter. Criteria: ACMG Guidelines, 2015. Collection method: clinical testing. Allele origin: unknown.

Labcorp Genetics (formerly Invitae), Labcorp
Classification: Pathogenic. Last evaluated: 2023-03-12. Review status: criteria provided, single submitter. Criteria: Invitae Variant Classification Sherloc (09022015). Collection method: clinical testing. Allele origin: germline.
Comment: This sequence change creates a premature translational stop signal (p.Cys860*) in the EYS gene. It is expected to result in an absent or disrupted protein product. Loss-of-function variants in EYS are known to be pathogenic (PMID: 18836446, 20333770). Information on the frequency of this variant in the gnomAD database is not available, as this variant may be reported differently in the database. This variant has not been reported in the literature in individuals affected with EYS-related conditions. For these reasons, this variant has been classified as Pathogenic.

Juno Genomics, Hangzhou Juno Genomics, Inc
Classification: Likely pathogenic for Retinitis pigmentosa 25. Review status: criteria provided, single submitter. Criteria: ACMG Guidelines, 2015. Collection method: clinical testing. Allele origin: germline.
Comment: Null variant in a gene where loss of function (LOF) is a known mechanism of disease.;Absent from controls (or at extremely low frequency if recessive) in Genome Aggregation Database.

Literature cited by the submitters: PubMed 18836446 (cited by Labcorp Genetics (formerly Invitae), Labcorp); PubMed 20333770 (cited by Labcorp Genetics (formerly Invitae), Labcorp).

NM_001142800.2(EYS):c.2579_2580delinsAA (p.Cys860Ter)

Gene: EYS (EGF-like photoreceptor maintenance factor; minus strand). Cytogenetic location: 6q12.
Variant type: Indel.
Coding change: c.2579_2580delinsAA on transcript NM_001142800.2 (MANE Select); coding-DNA positions 2579 to 2580, GC replaced by AA.
Protein change: p.Cys860Ter; replaces cysteine 860 with a stop codon.
Molecular consequence: nonsense.
Genome position (GRCh38, 1-based): chr6:64,912,545-64,912,546, GC replaced by TT on the plus strand (GC replaced by AA on the coding strand, the reverse complement: EYS is on the minus strand). VCF-style: chr6-64912545-GC-TT. GRCh37 (hg19) VCF-style: chr6-65622438-GC-TT.
Other names: c.2579_2580delinsAA, p.Cys860Ter (NM_001292009.2); short protein forms C860*.
Identifiers: ClinVar variation 2675264 (VCV002675264.6), dbSNP rs2533382928, ClinGen allele CA2695198258.